The following is an entry in ClinVar:

NM_152564.5(VPS13B):c.5251A>G (p.Ile1751Val)

Gene: VPS13B (vacuolar protein sorting 13 homolog B; plus strand). Cytogenetic location: 8q22.2.
Variant type: single nucleotide variant.
Coding change: c.5251A>G on transcript NM_152564.5 (MANE Select); coding-DNA position 5251, A replaced by G.
Protein change: p.Ile1751Val; replaces isoleucine 1751 with valine.
Molecular consequence: missense variant.
Genome position (GRCh38, 1-based): chr8:99,641,841, A>G. VCF-style: chr8-99641841-A-G. GRCh37 (hg19) VCF-style: chr8-100654069-A-G.
Other names: c.5326A>G (NM_017890.3); c.5326A>G, p.Ile1776Val (NM_017890.5); c.5251A>G (NM_152564.4); short protein forms I1776V, I1751V.
Identifiers: ClinVar variation 860872 (VCV000860872.9), dbSNP rs757833793, ClinGen allele CA183013500.

ClinVar aggregate classification (germline): Uncertain significance. Review status: criteria provided, multiple submitters, no conflicts (2 of 4 stars). 4 submissions from 4 submitters: Uncertain significance (3). 1 of the submissions does not count toward it. Last evaluated 2026-05-28.

Conditions:
Cohen syndrome (COH1). Also called: PEPPER SYNDROME; Cutis verticis gyrata, retinitis pigmentosa, and sensorineural deafness. Identifiers: Orphanet 193, MedGen C0265223, MONDO:0008999, OMIM 216550.
VPS13B-related disorder. Also called: VPS13B-related condition.
Inborn genetic diseases. Identifiers: MedGen C0950123, MeSH D030342.

Allele frequency attached by ClinVar (database versions not stated): gnomAD 0.00001; TOPMed 0.00001.
gnomAD v4.1: 30 of 1,612,696 alleles (0.0019%); highest among the groups gnomAD compares: Non-Finnish European, 0.0025%; no homozygotes.

Submissions (4):

PreventionGenetics, part of Exact Sciences
Classification: Uncertain significance for VPS13B-related condition. Last evaluated: 2026-05-28. Review status: criteria provided, single submitter. Criteria: ACMG Guidelines, 2015. Collection method: clinical testing. Allele origin: germline.
Comment: The VPS13B c.5251A>G variant is predicted to result in the amino acid substitution p.Ile1751Val. To our knowledge, this variant has not been reported in the literature. This variant is reported in 0.00088% of alleles in individuals of European (Non-Finnish) descent in gnomAD. At this time, the clinical significance of this variant is uncertain due to the absence of conclusive functional and genetic evidence.

Ambry Genetics
Classification: Uncertain significance for Inborn genetic diseases. Last evaluated: 2024-12-14. Review status: criteria provided, single submitter. Criteria: Ambry Variant Classification Scheme 2023. Collection method: clinical testing. Allele origin: germline.

Labcorp Genetics (formerly Invitae), Labcorp
Classification: Uncertain significance for Cohen syndrome. Last evaluated: 2022-02-24. Review status: criteria provided, single submitter. Criteria: Invitae Variant Classification Sherloc (09022015). Collection method: clinical testing. Allele origin: germline.
Comment: This sequence change replaces isoleucine, which is neutral and non-polar, with valine, which is neutral and non-polar, at codon 1776 of the VPS13B protein (p.Ile1776Val). This variant is present in population databases (no rsID available, gnomAD 0.0009%). This variant has not been reported in the literature in individuals affected with VPS13B-related conditions. ClinVar contains an entry for this variant (Variation ID: 860872). Algorithms developed to predict the effect of missense changes on protein structure and function are either unavailable or do not agree on the potential impact of this missense change (SIFT: "Not Available"; PolyPhen-2: "Benign"; Align-GVGD: "Not Available"). In summary, the available evidence is currently insufficient to determine the role of this variant in disease. Therefore, it has been classified as a Variant of Uncertain Significance.

Natera, Inc.
Classification: Uncertain significance for Cohen syndrome. Last evaluated: 2020-03-10. Review status: no assertion criteria provided. Collection method: clinical testing. Allele origin: germline. Not counted in ClinVar's aggregate classification.